The following is an entry in ClinVar:

NM_152564.5(VPS13B):c.2513T>C (p.Ile838Thr)

Gene: VPS13B (vacuolar protein sorting 13 homolog B; plus strand). Cytogenetic location: 8q22.2.
Variant type: single nucleotide variant.
Coding change: c.2513T>C on transcript NM_152564.5 (MANE Select); coding-DNA position 2513, T replaced by C.
Protein change: p.Ile838Thr; replaces isoleucine 838 with threonine.
Molecular consequence: missense variant.
Genome position (GRCh38, 1-based): chr8:99,193,055, T>C. VCF-style: chr8-99193055-T-C. GRCh37 (hg19) VCF-style: chr8-100205283-T-C.
Other names: c.2513T>C, p.Ile838Thr (NM_015243.3, NM_017890.5); short protein forms I838T.
Identifiers: ClinVar variation 2135406 (VCV002135406.4), dbSNP rs2488955496, ClinGen allele CA371861841.

ClinVar aggregate classification (germline): Uncertain significance (1 of 4 stars; one submission).

Conditions:
Cohen syndrome (COH1). Also called: PEPPER SYNDROME; Cutis verticis gyrata, retinitis pigmentosa, and sensorineural deafness. Identifiers: Orphanet 193, MedGen C0265223, MONDO:0008999, OMIM 216550.

Submission:

Labcorp Genetics (formerly Invitae), Labcorp
Classification: Uncertain significance for Cohen syndrome. Last evaluated: 2022-05-08. Review status: criteria provided, single submitter. Criteria: Invitae Variant Classification Sherloc (09022015). Collection method: clinical testing. Allele origin: germline.
Comment: In summary, the available evidence is currently insufficient to determine the role of this variant in disease. Therefore, it has been classified as a Variant of Uncertain Significance. Algorithms developed to predict the effect of missense changes on protein structure and function output the following: SIFT: "Not Available"; PolyPhen-2: "Benign"; Align-GVGD: "Not Available". The threonine amino acid residue is found in multiple mammalian species, which suggests that this missense change does not adversely affect protein function. This variant has not been reported in the literature in individuals affected with VPS13B-related conditions. This variant is not present in population databases (gnomAD no frequency). This sequence change replaces isoleucine, which is neutral and non-polar, with threonine, which is neutral and polar, at codon 838 of the VPS13B protein (p.Ile838Thr).